The following is an entry in ClinVar:

ClinVar aggregate classification (germline): Uncertain significance (1 of 4 stars; one submission).

Conditions:
Andersen Tawil syndrome (LQT7). Also called: ANDERSEN CARDIODYSRHYTHMIC PERIODIC PARALYSIS; LONG QT SYNDROME 7; PERIODIC PARALYSIS, POTASSIUM-SENSITIVE CARDIODYSRHYTHMIC TYPE; Andersen Syndrome; Potassium-sensitive periodic paralysis, ventricular ectopy, and dysmorphic features. Identifiers: Orphanet 37553, MedGen C1563715, MONDO:0008222, OMIM 170390.
Short QT syndrome type 3. Identifiers: Orphanet 51083, MedGen C1865018, MONDO:0012314, OMIM 609622.

Allele frequency attached by ClinVar (database versions not stated): gnomAD exomes below 0.00001.

Submission:

Labcorp Genetics (formerly Invitae), Labcorp
Classification: Uncertain significance for Short QT syndrome type 3; Andersen Tawil syndrome. Last evaluated: 2023-05-25. Review status: criteria provided, single submitter. Criteria: Invitae Variant Classification Sherloc (09022015). Collection method: clinical testing. Allele origin: germline.
Comment: In summary, the available evidence is currently insufficient to determine the role of this variant in disease. Therefore, it has been classified as a Variant of Uncertain Significance. An algorithm developed to predict the effect of missense changes on protein structure and function (PolyPhen-2) suggests that this variant is likely to be tolerated. This variant has not been reported in the literature in individuals affected with KCNJ2-related conditions. This variant is present in population databases (no rsID available, gnomAD 0.0009%). This sequence change replaces valine, which is neutral and non-polar, with alanine, which is neutral and non-polar, at codon 394 of the KCNJ2 protein (p.Val394Ala).

NM_000891.3(KCNJ2):c.1181T>C (p.Val394Ala)

Gene: KCNJ2 (potassium inwardly rectifying channel subfamily J member 2; plus strand). Cytogenetic location: 17q24.3.
Variant type: single nucleotide variant.
Coding change: c.1181T>C on transcript NM_000891.3 (MANE Select); coding-DNA position 1181, T replaced by C.
Protein change: p.Val394Ala; replaces valine 394 with alanine.
Molecular consequence: missense variant.
Genome position (GRCh38, 1-based): chr17:70,176,220, T>C. VCF-style: chr17-70176220-T-C. GRCh37 (hg19) VCF-style: chr17-68172361-T-C.
Other names: short protein forms V394A.
Identifiers: ClinVar variation 2947254 (VCV002947254.3), dbSNP rs1476792410, ClinGen allele CA400863886.